The following is an entry in ClinVar:

NM_152383.5(DIS3L2):c.2646A>G (p.Ser882=)

Gene: DIS3L2 (DIS3 like 3'-5' exoribonuclease 2; plus strand). Cytogenetic location: 2q37.1.
Variant type: single nucleotide variant.
Coding change: c.2646A>G on transcript NM_152383.5 (MANE Select); coding-DNA position 2646, A replaced by G.
Protein change: p.Ser882=; no amino-acid change (serine 882 retained).
Molecular consequence: synonymous variant. On other transcripts: non-coding transcript variant (2), intron variant (1).
Genome position (GRCh38, 1-based): chr2:232,336,618, A>G. VCF-style: chr2-232336618-A-G. GRCh37 (hg19) VCF-style: chr2-233201328-A-G.
Other names: p.Ser882=; c.1582-6727A>G (NM_001257281.2).
Identifiers: ClinVar variation 262631 (VCV000262631.21), dbSNP rs3811578, ClinGen allele CA2164649.

ClinVar aggregate classification (germline): Benign. Review status: criteria provided, multiple submitters, no conflicts (2 of 4 stars). 8 submissions from 8 submitters: Benign (8). Last evaluated 2026-02-04.

Conditions:
Perlman syndrome (PRLMNS). Identifiers: Orphanet 2849, MedGen C0796113, MONDO:0009965, OMIM 267000.

Allele frequency attached by ClinVar (database versions not stated): ESP Exome Variant Server 0.09947; gnomAD 0.13184; TOPMed 0.14028; ExAC 0.14249; gnomAD exomes 0.14266; 1000 Genomes Project 30x 0.19941; 1000 Genomes Project 0.20208.
gnomAD v4.1: 165,388 of 1,603,266 alleles (10%); highest among the groups gnomAD compares: East Asian, 48%; 13,081 homozygotes.

Submissions (8):

Labcorp Genetics (formerly Invitae), Labcorp
Classification: Benign for Perlman syndrome. Last evaluated: 2026-02-04. Review status: criteria provided, single submitter. Criteria: Invitae Variant Classification Sherloc (09022015). Collection method: clinical testing. Allele origin: germline.

Blueprint Genetics
Classification: Benign. Last evaluated: 2024-11-26. Review status: criteria provided, single submitter. Criteria: ACMG Guidelines, 2015. Collection method: clinical testing. Allele origin: germline.

Genome-Nilou Lab
Classification: Benign for Perlman syndrome. Last evaluated: 2021-07-30. Review status: criteria provided, single submitter. Criteria: ACMG Guidelines, 2015. Collection method: clinical testing. Allele origin: germline. Affected: no.

Mayo Clinic Laboratories, Mayo Clinic
Classification: Benign. Last evaluated: 2021-04-25. Review status: criteria provided, single submitter. Criteria: ACMG Guidelines, 2015. Collection method: clinical testing. Allele origin: germline. Observed: 57 variant alleles.

GeneDx
Classification: Benign. Last evaluated: 2019-02-06. Review status: criteria provided, single submitter. Criteria: GeneDx Variant Classification Process June 2021. Collection method: clinical testing. Allele origin: germline. Affected: yes.

Illumina Laboratory Services, Illumina
Classification: Benign for Perlman syndrome. Last evaluated: 2018-01-12. Review status: criteria provided, single submitter. Criteria: ICSL Variant Classification Criteria 13 December 2019. Collection method: clinical testing. Allele origin: germline.
Comment: This variant was observed in the ICSL laboratory as part of a predisposition screen in an ostensibly healthy population. It had not been previously curated by ICSL or reported in the Human Gene Mutation Database (HGMD: prior to June 1st, 2018), and was therefore a candidate for classification through an automated scoring system. Utilizing variant allele frequency, disease prevalence and penetrance estimates, and inheritance mode, an automated score was calculated to assess if this variant is too frequent to cause the disease. Based on the score and internal cut-off values, a variant classified as benign is not then subjected to further curation. The score for this variant resulted in a classification of benign for this disease.

Breakthrough Genomics
Classification: Benign. Review status: criteria provided, single submitter. Criteria: ACMG Guidelines, 2015. Collection method: not provided. Allele origin: germline. Inheritance: Autosomal recessive inheritance. Affected: yes.

PreventionGenetics, part of Exact Sciences
Classification: Benign. Review status: criteria provided, single submitter. Criteria: ACMG Guidelines, 2015. Collection method: clinical testing. Allele origin: germline.